The following is an entry in ClinVar:

NM_001018113.3(FANCB):c.*14T>C

Gene: FANCB (FA complementation group B; minus strand). Cytogenetic location: Xp22.2.
Variant type: single nucleotide variant.
Coding change: c.*14T>C on transcript NM_001018113.3 (MANE Select); 14 bases downstream of the stop codon, T replaced by C.
Molecular consequence: 3 prime UTR variant.
Genome position (GRCh38, 1-based): chrX:14,843,553, A>G on the plus strand (T>C on the coding strand, the complement: FANCB is on the minus strand). VCF-style: chrX-14843553-A-G. GRCh37 (hg19) VCF-style: chrX-14861675-A-G.
Other names: c.*14T>C (NM_001324162.2, NM_152633.4).
Identifiers: ClinVar variation 368020 (VCV000368020.7), dbSNP rs2375726, ClinGen allele CA10352895.
Genomic context (GRCh38, chrX:14,843,553, plus strand): 5'-ATATAGCAAGTAGAACCAAAATCTTATATGGTGGTGAAAACATATTTTAAAATATGATCA[A>G]ATTGAAATTATAATTATAAATTACTCAGTTTCTGTGCAGCAAAGTCTGATTTCAACTGAA-3'

ClinVar aggregate classification (germline): Benign. Review status: criteria provided, multiple submitters, no conflicts (2 of 4 stars). 4 submissions from 3 submitters: Benign (4). Last evaluated 2019-05-20.

Conditions:
Fanconi anemia complementation group B (FANCB). Also called: FANCB-Related Fanconi Anemia; FANCONI PANCYTOPENIA, TYPE 2. Identifiers: Orphanet 84, MedGen C1845292, MONDO:0010351, OMIM 300514.
VACTERL association, X-linked, with or without hydrocephalus (VACTERLX). Also called: VACTERL-H, X-LINKED; VACTERL Association with Hydrocephalus, X-linked; X-linked VACTERL-H syndrome; VACTERL ASSOCIATION, X-LINKED. Identifiers: Orphanet 3412, MedGen C2931228, MONDO:0010752, OMIM 314390.

Allele frequency attached by ClinVar (database versions not stated): 1000 Genomes Project 0.02225; gnomAD 0.02286 and 0.02466; 1000 Genomes Project 30x 0.02497; TOPMed 0.02587; ESP Exome Variant Server 0.03018.
gnomAD v4.1: 5,215 of 1,133,034 alleles (0.46%); highest among the groups gnomAD compares: African/African-American, 8.1%; 152 homozygotes.

Submissions (4):

GeneDx
Classification: Benign. Last evaluated: 2019-05-20. Review status: criteria provided, single submitter. Criteria: GeneDx Variant Classification Process June 2021. Collection method: clinical testing. Allele origin: germline. Affected: yes.

Illumina Laboratory Services, Illumina
Classification: Benign for VACTERL association with hydrocephaly, X-linked. Last evaluated: 2018-01-13. Review status: criteria provided, single submitter. Criteria: ICSL Variant Classification Criteria 13 December 2019. Collection method: clinical testing. Allele origin: germline.
Comment: This variant was observed in the ICSL laboratory as part of a predisposition screen in an ostensibly healthy population. It had not been previously curated by ICSL or reported in the Human Gene Mutation Database (HGMD: prior to June 1st, 2018), and was therefore a candidate for classification through an automated scoring system. Utilizing variant allele frequency, disease prevalence and penetrance estimates, and inheritance mode, an automated score was calculated to assess if this variant is too frequent to cause the disease. Based on the score and internal cut-off values, a variant classified as benign is not then subjected to further curation. The score for this variant resulted in a classification of benign for this disease.

Illumina Laboratory Services, Illumina
Classification: Benign for Fanconi anemia complementation group B. Last evaluated: 2018-01-13. Review status: criteria provided, single submitter. Criteria: ICSL Variant Classification Criteria 13 December 2019. Collection method: clinical testing. Allele origin: germline.
Comment: the same text as in the submission from Illumina Laboratory Services, Illumina above.

Breakthrough Genomics
Classification: Benign. Review status: criteria provided, single submitter. Criteria: ACMG Guidelines, 2015. Collection method: not provided. Allele origin: germline. Inheritance: X-linked inheritance. Affected: yes.